The following is an entry in ClinVar:

ClinVar aggregate classification (germline): Uncertain significance. Review status: criteria provided, multiple submitters, no conflicts (2 of 4 stars). 2 submissions from 2 submitters: Uncertain significance (2). Last evaluated 2022-05-25.

Conditions:
Severe combined immunodeficiency due to DNA-PKcs deficiency. Also called: IMMUNODEFICIENCY 26 WITH NEUROLOGIC ABNORMALITIES; Immunodeficiency 26 with or without neurologic abnormalities. Identifiers: Orphanet 317425, MedGen C4014833, MONDO:0014423, OMIM 615966.

Allele frequency attached by ClinVar (database versions not stated): gnomAD 0.00001; gnomAD exomes 0.00002 and 0.00010; TOPMed 0.00004; ExAC 0.00009.
gnomAD v4.1: 23 of 1,598,088 alleles (0.0014%); highest among the groups gnomAD compares: Admixed American, 0.038%; no homozygotes.

Submissions (2):

Labcorp Genetics (formerly Invitae), Labcorp
Classification: Uncertain significance for Severe combined immunodeficiency due to DNA-PKcs deficiency. Last evaluated: 2022-05-25. Review status: criteria provided, single submitter. Criteria: Invitae Variant Classification Sherloc (09022015). Collection method: clinical testing. Allele origin: germline.
Comment: This sequence change replaces alanine, which is neutral and non-polar, with valine, which is neutral and non-polar, at codon 3854 of the PRKDC protein (p.Ala3854Val). This variant is present in population databases (rs779943187, gnomAD 0.07%). This variant has not been reported in the literature in individuals affected with PRKDC-related conditions. ClinVar contains an entry for this variant (Variation ID: 569786). In summary, the available evidence is currently insufficient to determine the role of this variant in disease. Therefore, it has been classified as a Variant of Uncertain Significance.

Center for Genomics, Ann and Robert H. Lurie Children's Hospital of Chicago
Classification: Uncertain significance for Severe combined immunodeficiency due to DNA-PKcs deficiency. Last evaluated: 2022-01-10. Review status: criteria provided, single submitter. Criteria: ACMG Guidelines, 2015. Collection method: clinical testing. Allele origin: germline.
Comment: This variant has not been reported in the literature but is present in 0.072% (23/31888) of Latino alleles in the Genome Aggregation Database. This variant amino acid Alanine (Ala) is weakly conserved among evolutionarily distant species; this suggests that this variant may not impact the protein. Additional computational prediction tools do not suggest an impact. In summary, data on this variant is insufficient for disease classification. Therefore, the clinical significance of this variant is uncertain.

NM_006904.7(PRKDC):c.11561C>T (p.Ala3854Val)

Gene: PRKDC (protein kinase, DNA-activated, catalytic subunit; minus strand). Cytogenetic location: 8q11.21.
Variant type: single nucleotide variant.
Coding change: c.11561C>T on transcript NM_006904.7 (MANE Select); coding-DNA position 11561, C replaced by T.
Protein change: p.Ala3854Val; replaces alanine 3854 with valine.
Molecular consequence: missense variant.
Genome position (GRCh38, 1-based): chr8:47,779,022, G>A on the plus strand (C>T on the coding strand, the complement: PRKDC is on the minus strand). VCF-style: chr8-47779022-G-A. GRCh37 (hg19) VCF-style: chr8-48691583-G-A.
Other names: c.11468C>T, p.Ala3823Val (NM_001081640.2); short protein forms A3854V, A3823V.
Identifiers: ClinVar variation 569786 (VCV000569786.3), dbSNP rs779943187, ClinGen allele CA4739057.
Genomic context (GRCh38, chr8:47,779,022, plus strand): 5'-AATGAACTAACTAATACAAAGAAAAATCAAAACCAAACTTACTTATACATTAGCATGTAA[G>A]CTCCAACATCATGTTTTCCTGACATTTTTGTCAGCCAATCTTTATATTCACACGGCGGTG-3'
Protein context (NP_008835.5, residues 3844-3864): TKMSGKHDVG[Ala3854Val]YMLMYKGANR